The following is an entry in ClinVar:

GRCh38/hg38 10q24.32(chr10:101416272-101689575)x1

Genes: BTRC (beta-transducin repeat containing E3 ubiquitin protein ligase; plus strand), DPCD (deleted in primary ciliary dyskinesia homolog (mouse); plus strand), FBXW4 (F-box and WD repeat domain containing 4; minus strand), MIR3158-1 (microRNA 3158-1; plus strand), MIR3158-2 (microRNA 3158-2; minus strand) and 8 more. Cytogenetic location: 10q24.32.
Variant type: copy number loss.
Change: copy number 1 (one copy instead of two) of chr10:101,416,272-101,689,575 (273.3 kb, GRCh38 coordinates, 1-based), cytogenetic band 10q24.32.
Identifiers: ClinVar variation 58778 (VCV000058778.1).

ClinVar aggregate classification (germline): Pathogenic (1 of 4 stars; one submission).

Submission:

ISCA site 15
Classification: Pathogenic. Last evaluated: 2011-08-12. Review status: criteria provided, single submitter. Criteria: Kaminsky et al. (Genet Med. 2011). Collection method: clinical testing. Allele origin: maternal. Affected: yes. Observed: 1 variant allele.
Comment: Copy number variation identified through the course of routine clinical cytogenomic testing in postnatal populations. Clinical assertions have been curated as described in Kaminsky et al. 2011.